The following is an entry in ClinVar:

ClinVar aggregate classification (germline): Uncertain significance (1 of 4 stars; one submission).

Conditions:
Cornelia de Lange syndrome 5 (CDLS5). Also called: HDAC8-Related Cornelia de Lange Syndrome. Identifiers: Orphanet 199, MedGen C3550903, MONDO:0010471, OMIM 300882.

Submission:

Labcorp Genetics (formerly Invitae), Labcorp
Classification: Uncertain significance for Cornelia de Lange syndrome 5. Last evaluated: 2025-10-01. Review status: criteria provided, single submitter. Criteria: Invitae Variant Classification Sherloc (09022015). Collection method: clinical testing. Allele origin: germline.
Comment: This sequence change replaces threonine, which is neutral and polar, with isoleucine, which is neutral and non-polar, at codon 192 of the HDAC8 protein (p.Thr192Ile). This variant is not present in population databases (gnomAD no frequency). This variant has not been reported in the literature in individuals affected with HDAC8-related conditions. Invitae Evidence Modeling of protein sequence and biophysical properties (such as structural, functional, and spatial information, amino acid conservation, physicochemical variation, residue mobility, and thermodynamic stability) indicates that this missense variant is expected to disrupt HDAC8 protein function with a positive predictive value of 80%. In summary, the available evidence is currently insufficient to determine the role of this variant in disease. Therefore, it has been classified as a Variant of Uncertain Significance.

NM_018486.3(HDAC8):c.575C>T (p.Thr192Ile)

Gene: HDAC8 (histone deacetylase 8; minus strand). Cytogenetic location: Xq13.1.
Variant type: single nucleotide variant.
Coding change: c.575C>T on transcript NM_018486.3 (MANE Select); coding-DNA position 575, C replaced by T.
Protein change: p.Thr192Ile; replaces threonine 192 with isoleucine.
Molecular consequence: missense variant. On other transcripts: non-coding transcript variant (5), intron variant (4).
Genome position (GRCh38, 1-based): chrX:72,490,982, G>A on the plus strand (C>T on the coding strand, the complement: HDAC8 is on the minus strand). VCF-style: chrX-72490982-G-A. GRCh37 (hg19) VCF-style: chrX-71710832-G-A.
Other names: c.302C>T, p.Thr101Ile (NM_001166418.2, NM_001410728.1); c.575C>T, p.Thr192Ile (NM_001166419.2, NM_001410725.1, NM_001410729.1); c.438-26251C>T (NM_001441234.1); c.551-1941C>T (NM_001410727.1, NM_001410730.1); c.278-1941C>T (NM_001166448.2); short protein forms T192I, T101I.
Identifiers: ClinVar variation 4743626 (VCV004743626.1).